The following is an entry in ClinVar:

NM_002880.4(RAF1):c.-27+8G>T

Gene: RAF1 (Raf-1 proto-oncogene, serine/threonine kinase; minus strand). Cytogenetic location: 3p25.2.
Variant type: single nucleotide variant.
Coding change: c.-27+8G>T on transcript NM_002880.4 (MANE Select); 8 bases into the intron after 27 bases upstream of the start codon, G replaced by T.
Molecular consequence: intron variant.
Genome position (GRCh38, 1-based): chr3:12,663,805, C>A on the plus strand (G>T on the coding strand, the complement: RAF1 is on the minus strand). VCF-style: chr3-12663805-C-A. GRCh37 (hg19) VCF-style: chr3-12705304-C-A.
Other names: c.-157+8G>T (NM_001354695.3, NM_001354692.3, NM_001354694.3); c.-27+8G>T (NM_001354693.3, NM_001354689.3); c.-250+8G>T (NM_001354691.3).
Identifiers: ClinVar variation 515824 (VCV000515824.1), dbSNP rs1553626725, ClinGen allele CA658796238.

ClinVar aggregate classification (germline): Likely benign (1 of 4 stars; one submission).

Submission:

GeneDx
Classification: Likely benign. Last evaluated: 2018-03-02. Review status: criteria provided, single submitter. Criteria: GeneDx Variant Classification (06012015). Collection method: clinical testing. Allele origin: germline. Affected: yes.
Comment: This variant is considered likely benign or benign based on one or more of the following criteria: it is a conservative change, it occurs at a poorly conserved position in the protein, it is predicted to be benign by multiple in silico algorithms, and/or has population frequency not consistent with disease.